The following is an entry in ClinVar:

NM_005431.2(XRCC2):c.539T>A (p.Leu180Ter)

Gene: XRCC2 (X-ray repair cross complementing 2; minus strand). Cytogenetic location: 7q36.1.
Variant type: single nucleotide variant.
Coding change: c.539T>A on transcript NM_005431.2 (MANE Select); coding-DNA position 539, T replaced by A.
Protein change: p.Leu180Ter; replaces leucine 180 with a stop codon.
Molecular consequence: nonsense.
Genome position (GRCh38, 1-based): chr7:152,648,946, A>T on the plus strand (T>A on the coding strand, the complement: XRCC2 is on the minus strand). VCF-style: chr7-152648946-A-T. GRCh37 (hg19) VCF-style: chr7-152346031-A-T.
Other names: short protein forms L180*.
Identifiers: ClinVar variation 418547 (VCV000418547.2), dbSNP rs1064793297, ClinGen allele CA16618430.

ClinVar aggregate classification (germline): Uncertain significance (1 of 4 stars; one submission).

Allele frequency attached by ClinVar (database versions not stated): gnomAD exomes below 0.00001.
gnomAD v4.1: 1 of 1,614,214 alleles (0.000062%); highest among the groups gnomAD compares: Non-Finnish European, 0.000085%; no homozygotes.

Submission:

GeneDx
Classification: Uncertain significance. Last evaluated: 2017-02-02. Review status: criteria provided, single submitter. Criteria: GeneDx Variant Classification (06012015). Collection method: clinical testing. Allele origin: germline. Affected: yes.
Comment: This variant is denoted XRCC2 c.539T>A at the cDNA level and p.Leu180Ter (L180X) at the protein level. The substitution creates a nonsense variant, which changes a Leucine to a premature stop codon (TTA>TAA). This variant has not, to our knowledge, been reported in the literature. Due to the position of the variant, nonsense mediated decay is not expected to occur, but it might cause loss of normal protein function through protein truncation. The disrupted region does not contain any known functional domain. XRCC2 Leu180Ter was not observed in approximately 6,500 individuals of European and African American ancestry in the NHLBI Exome Sequencing Project, suggesting it is not a common benign variant in these populations. Based on currently available information, we consider XRCC2 Leu180Ter to be a variant of uncertain significance.